The following is an entry in ClinVar:

ClinVar aggregate classification (germline): Likely benign. Review status: criteria provided, multiple submitters, no conflicts (2 of 4 stars). 4 submissions from 4 submitters: Likely benign (3). 1 of the submissions does not count toward it. Last evaluated 2026-05-15.

Conditions:
MYO7A-related disorder. Also called: MYO7A-related disorders.
Usher syndrome type 1B (USH1B). Also called: Usher syndrome type IB. Identifiers: MedGen C1848638, MONDO:0700087.

Allele frequency attached by ClinVar (database versions not stated): TOPMed 0.00010; gnomAD 0.00019.
gnomAD v4.1: 43 of 1,569,336 alleles (0.0027%); highest among the groups gnomAD compares: East Asian, 0.082%; no homozygotes.

Submissions (4):

PreventionGenetics, part of Exact Sciences
Classification: Likely benign for MYO7A-related condition. Last evaluated: 2026-05-15. Review status: criteria provided, single submitter. Criteria: ACMG Guidelines, 2015. Collection method: clinical testing. Allele origin: germline.
Comment: This variant is classified as likely benign based on ACMG/AMP sequence variant interpretation guidelines (Richards et al. 2015 PMID: 25741868, with internal and published modifications).

Labcorp Genetics (formerly Invitae), Labcorp
Classification: Likely benign. Last evaluated: 2024-07-05. Review status: criteria provided, single submitter. Criteria: Invitae Variant Classification Sherloc (09022015). Collection method: clinical testing. Allele origin: germline.

Blueprint Genetics
Classification: Likely benign. Last evaluated: 2022-10-05. Review status: criteria provided, single submitter. Criteria: ACMG Guidelines, 2015. Collection method: clinical testing. Allele origin: germline.

Natera, Inc.
Classification: Uncertain significance for Usher syndrome type 1B. Last evaluated: 2020-01-24. Review status: no assertion criteria provided. Collection method: clinical testing. Allele origin: germline. Not counted in ClinVar's aggregate classification.

NM_000260.4(MYO7A):c.1461C>T (p.Ile487=)

Gene: MYO7A (myosin VIIA; plus strand). Cytogenetic location: 11q13.5.
Variant type: single nucleotide variant.
Coding change: c.1461C>T on transcript NM_000260.4 (MANE Select); coding-DNA position 1461, C replaced by T.
Protein change: p.Ile487=; no amino-acid change (isoleucine 487 retained).
Molecular consequence: synonymous variant.
Genome position (GRCh38, 1-based): chr11:77,162,237, C>T. VCF-style: chr11-77162237-C-T. GRCh37 (hg19) VCF-style: chr11-76873283-C-T.
Other names: c.1461C>T, p.Ile487= (NM_001127180.2); c.1428C>T, p.Ile476= (NM_001369365.1).
Identifiers: ClinVar variation 732794 (VCV000732794.14), dbSNP rs782195221, ClinGen allele CA6197501.